The following is an entry in ClinVar:

NM_015076.5(CDK19):c.100C>T (p.His34Tyr)

Genes: AMD1 (adenosylmethionine decarboxylase 1; plus strand), CDK19 (cyclin dependent kinase 19; minus strand). Cytogenetic location: 6q21.
Variant type: single nucleotide variant.
Coding change: c.100C>T on transcript NM_015076.5 (MANE Select); coding-DNA position 100, C replaced by T.
Protein change: p.His34Tyr; replaces histidine 34 with tyrosine.
Molecular consequence: missense variant. On other transcripts: intron variant (3).
Genome position (GRCh38, 1-based): chr6:110,815,037, G>A on the plus strand (C>T on the coding strand, the complement: CDK19 is on the minus strand). VCF-style: chr6-110815037-G-A. GRCh37 (hg19) VCF-style: chr6-111136240-G-A.
Other names: c.100C>T, p.His34Tyr (NM_001300960.2); c.-53+771C>T (NM_001300964.2); c.-115+534C>T (NM_001300963.2); c.-98+222G>A (NM_001287215.2); short protein forms H34Y.
Identifiers: ClinVar variation 4536437 (VCV004536437.1).
Genomic context (GRCh38, chr6:110,815,037, plus strand): 5'-AGCGAGCCTACTCCTCCCGCCCCTGCTCTTACCCATCTTTCCGCCTCGCCTTGTAGACGT[G>A]ACCGTAGGTGCCGCGTCCCACTTTGCACCCTTCGTACTCAAACAAATCCTCCACCCGCTC-3'
Protein context (NP_055891.1, residues 24-44): GCKVGRGTYG[His34Tyr]VYKARRKDGK

ClinVar aggregate classification (germline): Uncertain significance (1 of 4 stars; one submission).

Submission:

GeneDx
Classification: Uncertain significance. Last evaluated: 2025-06-02. Review status: criteria provided, single submitter. Criteria: GeneDx Variant Classification Process June 2021. Collection method: clinical testing. Allele origin: germline. Affected: yes.
Comment: Not observed at significant frequency in large population cohorts (gnomAD); In silico analysis supports that this missense variant has a deleterious effect on protein structure/function; Has not been previously published as pathogenic or benign to our knowledge